The following is an entry in ClinVar:

ClinVar aggregate classification (germline): Uncertain significance. Review status: criteria provided, multiple submitters, no conflicts (2 of 4 stars). 2 submissions from 2 submitters: Uncertain significance (2). Last evaluated 2025-01-02.

Conditions:
Fanconi anemia (FA). Also called: Fanconi's anemia. Identifiers: Orphanet 84, MedGen C0015625, MeSH D005199, MONDO:0019391.

gnomAD v4.1: 5 of 1,613,052 alleles (0.00031%); highest among the groups gnomAD compares: Non-Finnish European, 0.00042%; no homozygotes.

Submissions (2):

Quest Diagnostics Nichols Institute San Juan Capistrano
Classification: Uncertain significance. Last evaluated: 2025-01-02. Review status: criteria provided, single submitter. Criteria: Quest Diagnostics criteria. Collection method: clinical testing. Allele origin: unknown.
Comment: The FANCA c.703C>T (p.Leu235Phe) variant has not been reported in individuals with FANCA-related conditions in the published literature. It also has not been reported in large, multi-ethnic general populations (Genome Aggregation Database). Analysis of this variant using bioinformatics tools for the prediction of the effect of amino acid changes on protein structure and function yielded predictions that this variant is benign. Based on the available information, we are unable to determine the clinical significance of this variant.

Labcorp Genetics (formerly Invitae), Labcorp
Classification: Uncertain significance for Fanconi anemia. Last evaluated: 2022-06-22. Review status: criteria provided, single submitter. Criteria: Invitae Variant Classification Sherloc (09022015). Collection method: clinical testing. Allele origin: germline.
Comment: This sequence change replaces leucine, which is neutral and non-polar, with phenylalanine, which is neutral and non-polar, at codon 235 of the FANCA protein (p.Leu235Phe). This variant is not present in population databases (gnomAD no frequency). This variant has not been reported in the literature in individuals affected with FANCA-related conditions. ClinVar contains an entry for this variant (Variation ID: 854319). Advanced modeling of protein sequence and biophysical properties (such as structural, functional, and spatial information, amino acid conservation, physicochemical variation, residue mobility, and thermodynamic stability) performed at Invitae indicates that this missense variant is not expected to disrupt FANCA protein function. In summary, the available evidence is currently insufficient to determine the role of this variant in disease. Therefore, it has been classified as a Variant of Uncertain Significance.

Literature cited by the submitters: PubMed 31911633 (cited by Quest Diagnostics Nichols Institute San Juan Capistrano).

NM_000135.4(FANCA):c.703C>T (p.Leu235Phe)

Gene: FANCA (FA complementation group A; minus strand). Cytogenetic location: 16q24.3.
Variant type: single nucleotide variant.
Coding change: c.703C>T on transcript NM_000135.4 (MANE Select); coding-DNA position 703, C replaced by T.
Protein change: p.Leu235Phe; replaces leucine 235 with phenylalanine.
Molecular consequence: missense variant.
Genome position (GRCh38, 1-based): chr16:89,805,286, G>A on the plus strand (C>T on the coding strand, the complement: FANCA is on the minus strand). VCF-style: chr16-89805286-G-A. GRCh37 (hg19) VCF-style: chr16-89871694-G-A.
Other names: c.703C>T (NM_000135.3); c.703C>T, p.Leu235Phe (NM_001018112.3, NM_001286167.3); c.607C>T, p.Leu203Phe (NM_001351830.2); short protein forms L203F, L235F.
Identifiers: ClinVar variation 854319 (VCV000854319.5), dbSNP rs1316244239, ClinGen allele CA397477701.